The following is an entry in ClinVar:

ClinVar aggregate classification (germline): Uncertain significance. Review status: criteria provided, multiple submitters, no conflicts (2 of 4 stars). 2 submissions from 2 submitters: Uncertain significance (2). Last evaluated 2026-07-22.

Conditions:
Familial thoracic aortic aneurysm and aortic dissection (TAAD). Also called: Thoracic aortic aneurysms and dissections. Identifiers: Orphanet 91387, MedGen C4707243, MONDO:0019625.

gnomAD v4.1: 2 of 1,614,196 alleles (0.00012%); highest among the groups gnomAD compares: Non-Finnish European, 0.000085%; no homozygotes.

Submissions (2):

Ambry Genetics
Classification: Uncertain significance for Familial thoracic aortic aneurysm and aortic dissection. Last evaluated: 2026-07-22. Review status: criteria provided, single submitter. Criteria: Ambry Variant Classification Scheme 2023. Collection method: clinical testing. Allele origin: germline.
Comment: The p.S49N variant (also known as c.146G>A), located in coding exon 1 of the TGFB3 gene, results from a G to A substitution at nucleotide position 146. The serine at codon 49 is replaced by asparagine, an amino acid with highly similar properties. This amino acid position is highly conserved in available vertebrate species. In addition, this alteration is predicted to be tolerated by in silico analysis. Based on the available evidence, the clinical significance of this variant remains unclear.

Cambridge Genomics Laboratory, East Genomic Laboratory Hub, NHS Genomic Medicine Service
Classification: Uncertain significance for Familial thoracic aortic aneurysm and aortic dissection. Last evaluated: 2020-02-01. Review status: criteria provided, single submitter. Criteria: ACGS Best Practice Guidelines for Variant Classification in Rare Disease 2020. Collection method: clinical testing. Allele origin: germline. Affected: yes. Observed: 1 variant allele.

NM_003239.5(TGFB3):c.146G>A (p.Ser49Asn)

Gene: TGFB3 (transforming growth factor beta 3; minus strand). Cytogenetic location: 14q24.3.
Variant type: single nucleotide variant.
Coding change: c.146G>A on transcript NM_003239.5 (MANE Select); coding-DNA position 146, G replaced by A.
Protein change: p.Ser49Asn; replaces serine 49 with asparagine.
Molecular consequence: missense variant.
Genome position (GRCh38, 1-based): chr14:75,980,748, C>T on the plus strand (G>A on the coding strand, the complement: TGFB3 is on the minus strand). VCF-style: chr14-75980748-C-T. GRCh37 (hg19) VCF-style: chr14-76447091-C-T.
Other names: c.146G>A, p.Ser49Asn (NM_001329938.2, NM_001329939.2); short protein forms S49N.
Identifiers: ClinVar variation 4074977 (VCV004074977.2).
Genomic context (GRCh38, chr14:75,980,748, plus strand): 5'-ACCTGATAGGGGACGTGGGTCATCACCGTTGGCTCAGGGGGGCTGGTGAGCCTGAGCTTG[C>T]TCAAGATCTGTCCCCTAATGGCTTCCACCCTCTTCTTCTTGATGTGGCCGAAGTCCAAGG-3'
Protein context (NP_003230.1, residues 39-59): RVEAIRGQIL[Ser49Asn]KLRLTSPPEP